The following is an entry in ClinVar:

NM_001303256.3(MORC2):c.3036dup (p.Asp1013fs)

Gene: MORC2 (MORC family CW-type zinc finger 2; minus strand). Cytogenetic location: 22q12.2.
Variant type: Duplication.
Coding change: c.3036dup on transcript NM_001303256.3 (MANE Select); coding-DNA position 3036, one base duplicated (A; older notation c.3036dupA).
Protein change: p.Asp1013fs; shifts the reading frame from aspartic acid 1013.
Molecular consequence: frameshift variant.
Genome position (GRCh38, 1-based): chr22:30,926,866, T duplicated on the plus strand (A on the coding strand, the reverse complement: MORC2 is on the minus strand). VCF-style (leftmost placement, unchanged base first): chr22-30926865-C-CT. GRCh37 (hg19) VCF-style: chr22-31322852-C-CT.
Other names: c.3027dup, p.Asp1010fs (NM_001303257.2); c.2850dup, p.Asp951fs (NM_014941.3); short protein forms D1010fs, D1013fs, D951fs.
Identifiers: ClinVar variation 3900946 (VCV003900946.1).

ClinVar aggregate classification (germline): Uncertain significance (1 of 4 stars; one submission).

Submission:

GeneDx
Classification: Uncertain significance. Last evaluated: 2024-11-27. Review status: criteria provided, single submitter. Criteria: GeneDx Variant Classification Process June 2021. Collection method: clinical testing. Allele origin: germline. Affected: yes.
Comment: Not observed at significant frequency in large population cohorts (gnomAD); Frameshift variant predicted to result in abnormal protein length as the last 20 amino acids are replaced with 5 different amino acids with an unclear effect on protein function; Has not been previously published as pathogenic or benign to our knowledge